The following is an entry in ClinVar:

ClinVar aggregate classification (germline): Conflicting classifications of pathogenicity. Review status: criteria provided, conflicting classifications (1 of 4 stars). 2 submissions from 2 submitters: Uncertain significance (1); Likely benign (1). Last evaluated 2024-07-30.

Conditions:
Hereditary cancer-predisposing syndrome. Also called: Neoplastic Syndromes, Hereditary; Tumor predisposition; Hereditary Cancer Syndrome; Hereditary neoplastic syndrome. Identifiers: Orphanet 140162, MedGen C0027672, MeSH D009386, MONDO:0015356.
Familial cancer of breast. Also called: BREAST CANCER, FAMILIAL; Hereditary breast cancer; hereditary breast carcinoma. Identifiers: Orphanet 227535, MedGen C0346153, MONDO:0016419, OMIM 114480. Disease mechanism: loss of function.

Allele frequency attached by ClinVar (database versions not stated): gnomAD exomes below 0.00001.
gnomAD v4.1: 1 of 1,614,004 alleles (0.000062%); highest among the groups gnomAD compares: Non-Finnish European, 0.000085%; no homozygotes.

Submissions (2):

Labcorp Genetics (formerly Invitae), Labcorp
Classification: Uncertain significance for Familial cancer of breast. Last evaluated: 2024-07-30. Review status: criteria provided, single submitter. Criteria: Invitae Variant Classification Sherloc (09022015). Collection method: clinical testing. Allele origin: germline.
Comment: This sequence change replaces threonine, which is neutral and polar, with isoleucine, which is neutral and non-polar, at codon 386 of the PALB2 protein (p.Thr386Ile). This variant is not present in population databases (gnomAD no frequency). This variant has not been reported in the literature in individuals affected with PALB2-related conditions. ClinVar contains an entry for this variant (Variation ID: 1735626). Advanced modeling of protein sequence and biophysical properties (such as structural, functional, and spatial information, amino acid conservation, physicochemical variation, residue mobility, and thermodynamic stability) performed at Invitae indicates that this missense variant is not expected to disrupt PALB2 protein function with a negative predictive value of 80%. In summary, the available evidence is currently insufficient to determine the role of this variant in disease. Therefore, it has been classified as a Variant of Uncertain Significance.

Ambry Genetics
Classification: Likely benign for Hereditary cancer-predisposing syndrome. Last evaluated: 2022-01-31. Review status: criteria provided, single submitter. Criteria: Ambry Variant Classification Scheme 2023. Collection method: clinical testing. Allele origin: germline.

NM_024675.4(PALB2):c.1157C>T (p.Thr386Ile)

Gene: PALB2 (partner and localizer of BRCA2; minus strand). Cytogenetic location: 16p12.2.
Variant type: single nucleotide variant.
Coding change: c.1157C>T on transcript NM_024675.4 (MANE Select); coding-DNA position 1157, C replaced by T.
Protein change: p.Thr386Ile; replaces threonine 386 with isoleucine.
Molecular consequence: missense variant.
Genome position (GRCh38, 1-based): chr16:23,635,389, G>A on the plus strand (C>T on the coding strand, the complement: PALB2 is on the minus strand). VCF-style: chr16-23635389-G-A. GRCh37 (hg19) VCF-style: chr16-23646710-G-A.
Other names: c.1097C>T, p.Thr366Ile (NM_001407296.1); c.1157C>T, p.Thr386Ile (NM_001407297.1, NM_001407298.1, NM_001407299.1 and 3 more transcripts); c.272C>T, p.Thr91Ile (NM_001407304.1, NM_001407305.1, NM_001407306.1 and 5 more transcripts); short protein forms T366I, T91I, T386I.
Identifiers: ClinVar variation 1735626 (VCV001735626.5), dbSNP rs876660840, ClinGen allele CA395133493.